The following is an entry in ClinVar:

NM_002645.4(PIK3C2A):c.743T>C (p.Ile248Thr)

Gene: PIK3C2A (phosphatidylinositol-4-phosphate 3-kinase catalytic subunit type 2 alpha; minus strand). Cytogenetic location: 11p15.1.
Variant type: single nucleotide variant.
Coding change: c.743T>C on transcript NM_002645.4 (MANE Select); coding-DNA position 743, T replaced by C.
Protein change: p.Ile248Thr; replaces isoleucine 248 with threonine.
Molecular consequence: missense variant. On other transcripts: intron variant (1).
Genome position (GRCh38, 1-based): chr11:17,168,999, A>G on the plus strand (T>C on the coding strand, the complement: PIK3C2A is on the minus strand). VCF-style: chr11-17168999-A-G. GRCh37 (hg19) VCF-style: chr11-17190546-A-G.
Other names: c.743T>C, p.Ile248Thr (NM_001321378.2, NM_001386870.1); c.-75-13370T>C (NM_001321380.2); short protein forms I248T.
Identifiers: ClinVar variation 5017827 (VCV005017827.1).

ClinVar aggregate classification (germline): Uncertain significance (1 of 4 stars; one submission).

gnomAD v4.1: 8 of 1,613,670 alleles (0.0005%); highest among the groups gnomAD compares: Non-Finnish European, 0.00068%; no homozygotes.

Submission:

GeneDx
Classification: Uncertain significance. Last evaluated: 2026-03-29. Review status: criteria provided, single submitter. Criteria: GeneDx Variant Classification Process June 2021. Collection method: clinical testing. Allele origin: germline.
Comment: Not observed at significant frequency in large population cohorts (gnomAD); In silico analysis suggests that this missense variant does not alter protein structure/function; Has not been previously published as pathogenic or benign to our knowledge